The following is an entry in ClinVar:

ClinVar aggregate classification (germline): Uncertain significance. Review status: criteria provided, multiple submitters, no conflicts (2 of 4 stars). 2 submissions from 2 submitters: Uncertain significance (2). Last evaluated 2025-09-03.

Conditions:
Hereditary diffuse gastric adenocarcinoma (HDGC). Also called: DIFFUSE GASTRIC AND LOBULAR BREAST CANCER SYNDROME. Identifiers: Orphanet 26106, MedGen C1708349, MONDO:0007648, OMIM 137215.
Hereditary cancer-predisposing syndrome. Also called: Tumor predisposition; Neoplastic Syndromes, Hereditary; Hereditary Cancer Syndrome; Hereditary neoplastic syndrome. Identifiers: Orphanet 140162, MedGen C0027672, MeSH D009386, MONDO:0015356.

Submissions (2):

Labcorp Genetics (formerly Invitae), Labcorp
Classification: Uncertain significance for Hereditary diffuse gastric adenocarcinoma. Last evaluated: 2025-09-03. Review status: criteria provided, single submitter. Criteria: Invitae Variant Classification Sherloc (09022015). Collection method: clinical testing. Allele origin: germline.
Comment: This sequence change replaces cysteine, which is neutral and slightly polar, with tyrosine, which is neutral and polar, at codon 688 of the CDH1 protein (p.Cys688Tyr). This variant is not present in population databases (gnomAD no frequency). This variant has not been reported in the literature in individuals affected with CDH1-related conditions. ClinVar contains an entry for this variant (Variation ID: 1785259). An algorithm developed to predict the effect of missense changes on protein structure and function (PolyPhen-2) suggests that this variant is likely to be disruptive. In summary, the available evidence is currently insufficient to determine the role of this variant in disease. Therefore, it has been classified as a Variant of Uncertain Significance.

Ambry Genetics
Classification: Uncertain significance for Hereditary cancer-predisposing syndrome. Last evaluated: 2025-07-03. Review status: criteria provided, single submitter. Criteria: Ambry Variant Classification Scheme 2023. Collection method: clinical testing. Allele origin: germline.
Comment: The p.C688Y variant (also known as c.2063G>A), located in coding exon 13 of the CDH1 gene, results from a G to A substitution at nucleotide position 2063. The cysteine at codon 688 is replaced by tyrosine, an amino acid with highly dissimilar properties. This amino acid position is highly conserved in available vertebrate species. In addition, this alteration is predicted to be deleterious by in silico analysis. Based on the available evidence, the clinical significance of this variant remains unclear.

NM_004360.5(CDH1):c.2063G>A (p.Cys688Tyr)

Gene: CDH1 (cadherin 1; plus strand). Cytogenetic location: 16q22.1.
Variant type: single nucleotide variant.
Coding change: c.2063G>A on transcript NM_004360.5 (MANE Select); coding-DNA position 2063, G replaced by A.
Protein change: p.Cys688Tyr; replaces cysteine 688 with tyrosine.
Molecular consequence: missense variant.
Genome position (GRCh38, 1-based): chr16:68,823,525, G>A. VCF-style: chr16-68823525-G-A. GRCh37 (hg19) VCF-style: chr16-68857428-G-A.
Other names: c.1880G>A, p.Cys627Tyr (NM_001317184.2); c.515G>A, p.Cys172Tyr (NM_001317185.2); c.98G>A, p.Cys33Tyr (NM_001317186.2); short protein forms C627Y, C172Y, C33Y, C688Y.
Identifiers: ClinVar variation 1785259 (VCV001785259.5), dbSNP rs2152139472, ClinGen allele CA396467777.